The following is an entry in ClinVar:

ClinVar aggregate classification (germline): Likely benign. Review status: criteria provided, multiple submitters, no conflicts (2 of 4 stars). 2 submissions from 2 submitters: Likely benign (2). Last evaluated 2023-05-25.

Conditions:
Sulfite oxidase deficiency. Also called: Isolated sulfite oxidase deficiency. Identifiers: Orphanet 833, Orphanet 99731, MedGen C0268624, MONDO:0010089, OMIM 272300, HP:0003643.

Allele frequency attached by ClinVar (database versions not stated): gnomAD exomes below 0.00001.

Submissions (2):

Labcorp Genetics (formerly Invitae), Labcorp
Classification: Likely benign for Sulfite oxidase deficiency. Last evaluated: 2023-05-25. Review status: criteria provided, single submitter. Criteria: Invitae Variant Classification Sherloc (09022015). Collection method: clinical testing. Allele origin: germline.

ARUP Laboratories, Molecular Genetics and Genomics, ARUP Laboratories
Classification: Likely benign. Last evaluated: 2018-06-19. Review status: criteria provided, single submitter. Criteria: ARUP Molecular Germline Variant Investigation Process. Collection method: clinical testing. Allele origin: germline.
Comment: The c.1335C>T variant (rs200569559) has not been reported in the medical literature in association with disease. This variant does not alter amino acid sequence of SUOX protein, affects a weakly conserved nucleotide, and computational analyses (Alamut v.2.11) predict that this variant does not alter splicing. This variant is rare in the general population and is found with an overall allele frequency of 0.0004% (1/246,240 alleles) in the Genome Aggregation Database. Based on available information, this variant is considered to be likely benign.

NM_001032386.2(SUOX):c.1335C>T (p.Ile445=)

Gene: SUOX (sulfite oxidase; plus strand). Cytogenetic location: 12q13.2.
Variant type: single nucleotide variant.
Coding change: c.1335C>T on transcript NM_001032386.2 (MANE Select); coding-DNA position 1335, C replaced by T.
Protein change: p.Ile445=; no amino-acid change (isoleucine 445 retained).
Molecular consequence: synonymous variant.
Genome position (GRCh38, 1-based): chr12:56,004,724, C>T. VCF-style: chr12-56004724-C-T. GRCh37 (hg19) VCF-style: chr12-56398508-C-T.
Other names: c.1335C>T, p.Ile445= (NM_000456.3, NM_001032387.2).
Identifiers: ClinVar variation 618404 (VCV000618404.18), dbSNP rs200569559, ClinGen allele CA237605332.
Genomic context (GRCh38, chr12:56,004,724, plus strand): 5'-CCAGTCGGCCATCACAGAGCCCCGGGATGGAGAGACTGTAGAATCAGGGGAGGTGACCAT[C>T]AAGGGCTATGCATGGAGTGGTGGTGGCAGGGCTGTGATCCGGGTGGATGTGTCTCTGGAT-3'
Protein context (NP_001027558.1, residues 435-455): GETVESGEVT[Ile445=]KGYAWSGGGR